The following is an entry in ClinVar:

NM_001486.4(GCKR):c.1135dup (p.Thr379fs)

Gene: GCKR (glucokinase regulator; plus strand). Cytogenetic location: 2p23.3.
Variant type: Duplication.
Coding change: c.1135dup on transcript NM_001486.4 (MANE Select); coding-DNA position 1135, one base duplicated (A; older notation c.1135dupA).
Protein change: p.Thr379fs; shifts the reading frame from threonine 379.
Molecular consequence: frameshift variant.
Genome position (GRCh38, 1-based): chr2:27,507,303, A duplicated. VCF-style (leftmost placement, unchanged base first): chr2-27507302-C-CA. GRCh37 (hg19) VCF-style: chr2-27730169-C-CA.
Other names: short protein forms T379fs.
Identifiers: ClinVar variation 932562 (VCV000932562.49), dbSNP rs573498430, ClinGen allele CA1581862.

ClinVar aggregate classification (germline): Conflicting classifications of pathogenicity. Review status: criteria provided, conflicting classifications (1 of 4 stars). 3 submissions from 3 submitters: Likely pathogenic (1); Uncertain significance (1); Likely benign (1). Last evaluated 2026-01-26.

Allele frequency attached by ClinVar (database versions not stated): 1000 Genomes Project 0.00060; ExAC 0.00116; gnomAD exomes 0.00122 and 0.00241; TOPMed 0.00142; gnomAD 0.00143 and 0.00149; ESP Exome Variant Server 0.00224.

Submissions (3):

Labcorp Genetics (formerly Invitae), Labcorp
Classification: Likely benign. Last evaluated: 2026-01-26. Review status: criteria provided, single submitter. Criteria: Invitae Variant Classification Sherloc (09022015). Collection method: clinical testing. Allele origin: germline.

GeneDx
Classification: Uncertain significance. Last evaluated: 2026-01-15. Review status: criteria provided, single submitter. Criteria: GeneDx Variant Classification Process June 2021. Collection method: clinical testing. Allele origin: germline. Affected: yes.
Comment: Identified in individuals with hypertriglyceridemia in published literature and referred for genetic testing at GeneDx (PMID: 20657596, 22182842, 23685560, 36325899); Published functional studies showed that this variant causes abnormal GCKR protein trafficking and expression, resulting in loss of function (PMID: 22182842, 24879641); Frameshift variant predicted to result in protein truncation or nonsense mediated decay in a gene for which loss-of-function is not a known mechanism of disease; This variant is associated with the following publications: (PMID: 24879641, 23685560, 32041611, 22182842, 35207755, 35460704, 20657596, 36325899)

CeGaT Center for Human Genetics Tuebingen
Classification: Likely pathogenic. Last evaluated: 2020-04-01. Review status: criteria provided, single submitter. Criteria: CeGaT Center For Human Genetics Tuebingen Variant Classification Criteria Version 2. Collection method: clinical testing. Allele origin: germline. Affected: yes. Observed: 1 variant allele.